The following is an entry in ClinVar:

ClinVar aggregate classification (germline): Pathogenic/Likely pathogenic. Review status: criteria provided, multiple submitters, no conflicts (2 of 4 stars). 5 submissions from 5 submitters: Pathogenic (1); Likely pathogenic (4). Last evaluated 2025-06-03.

Conditions:
Hereditary cancer-predisposing syndrome. Also called: Tumor predisposition; Neoplastic Syndromes, Hereditary; Hereditary neoplastic syndrome; Hereditary Cancer Syndrome. Identifiers: Orphanet 140162, MedGen C0027672, MeSH D009386, MONDO:0015356.
Cardiovascular phenotype. Identifiers: MedGen CN230736.
Neurofibromatosis, type 1 (NF1). Also called: VON RECKLINGHAUSEN DISEASE; NEUROFIBROMATOSIS, TYPE I, SOMATIC; Neurofibromatosis, type I; Peripheral type neurofibromatosis. Identifiers: Orphanet 636, MedGen C0027831, MONDO:0018975, OMIM 162200. Disease mechanism: loss of function.

Submissions (5):

Women's Health and Genetics/Laboratory Corporation of America, LabCorp
Classification: Likely pathogenic for Neurofibromatosis, type 1. Last evaluated: 2025-06-03. Review status: criteria provided, single submitter. Criteria: LabCorp Variant Classification Summary - May 2015. Collection method: clinical testing. Allele origin: germline.
Comment: Variant summary: NF1 c.3250C>T (p.Pro1084Ser) results in a non-conservative amino acid change in the encoded protein sequence. Algorithms developed to predict the effect of missense changes on protein structure and function are either unavailable or do not agree on the potential impact of this missense change. The variant was absent in 250720 control chromosomes. c.3250C>T has been observed in the presumed heterozygous state in multiple individual(s) affected with clinical features or diagnosis of Neurofibromatosis Type 1 (example, Santoro_2017, van Minkelen_2014/LOVD individual #00129130, Tabata_2020, Stella_2018, internal data), including at least 1 individual reported to be de novo. These data indicate that the variant is likely to be associated with disease. To our knowledge, no experimental evidence demonstrating an impact on protein function has been reported. The following publications have been ascertained in the context of this evaluation (PMID: 28422438, 23656349, 32814709, 29673180). ClinVar contains an entry for this variant (Variation ID: 527549). Based on the evidence outlined above, the variant was classified as likely pathogenic.

Labcorp Genetics (formerly Invitae), Labcorp
Classification: Pathogenic for Neurofibromatosis, type 1. Last evaluated: 2025-05-25. Review status: criteria provided, single submitter. Criteria: Invitae Variant Classification Sherloc (09022015). Collection method: clinical testing. Allele origin: germline.
Comment: This sequence change replaces proline, which is neutral and non-polar, with serine, which is neutral and polar, at codon 1084 of the NF1 protein (p.Pro1084Ser). This variant is not present in population databases (gnomAD no frequency). This missense change has been observed in individual(s) with clinical features of neurofibromatosis type 1 and neurofibromatosis-Noonan syndrome (PMID: 23656349, 28422438, 29673180; internal data). In at least one individual the variant was observed to be de novo. Invitae Evidence Modeling of clinical and family history, age, sex, and reported ancestry of multiple individuals with this NF1 variant has been performed. This variant is expected to be pathogenic with a positive predictive value of at least 99%. This is a validated machine learning model that incorporates the clinical features of 1,785,918 individuals referred to our laboratory for NF1 testing. ClinVar contains an entry for this variant (Variation ID: 527549). Invitae Evidence Modeling of protein sequence and biophysical properties (such as structural, functional, and spatial information, amino acid conservation, physicochemical variation, residue mobility, and thermodynamic stability) indicates that this missense variant is expected to disrupt NF1 protein function with a positive predictive value of 95%. This variant disrupts the p.Pro1084 amino acid residue in NF1. Other variant(s) that disrupt this residue have been observed in individuals with NF1-related conditions (PMID: 27322474, 30014477), which suggests that this may be a clinically significant amino acid residue. For these reasons, this variant has been classified as Pathogenic.

Variantyx, Inc.
Classification: Likely pathogenic for Neurofibromatosis, type 1. Last evaluated: 2025-05-13. Review status: criteria provided, single submitter. Criteria: Variantyx Assertion Criteria 2022. Collection method: clinical testing. Allele origin: germline. Inheritance: Autosomal dominant inheritance. Affected: yes.
Comment: This is a nonsynonymous variant in the NF1 gene (OMIM: 613113). Pathogenic variants in this gene have been associated with autosomal dominant neurofibromatosis type 1. This variant has been reported in at least 2 unrelated affected individuals (PMID: 28422438, 29673180) (PS4_Moderate). Multiple computational algorithms predict a deleterious effect for this variant (REVEL score: 0.833) (PP3), and an alternate amino acid change at this position (p.Pro1084Arg) has been previously reported in similarly affected individuals, which suggests that this residue is biologically important (PMID: 23656349) (PM5). This variant is absent from control populations (PM2). Based on the current evidence, this variant is classified as likely pathogenic for autosomal dominant neurofibromatosis type 1.

Ambry Genetics
Classification: Likely pathogenic for Cardiovascular phenotype; Hereditary cancer-predisposing syndrome. Last evaluated: 2024-10-30. Review status: criteria provided, single submitter. Criteria: Ambry Variant Classification Scheme 2023. Collection method: clinical testing. Allele origin: germline.
Comment: The p.P1084S variant (also known as c.3250C>T), located in coding exon 25 of the NF1 gene, results from a C to T substitution at nucleotide position 3250. The proline at codon 1084 is replaced by serine, an amino acid with similar properties. This alteration was identified in multiple individuals with a clinical diagnosis of neurofibromatosis type 1 (NF1) (Santoro C et al. Am J Med Genet A, 2017 Jun;173:1521-1530; Stella A et al. Genes (Basel) 2018 Apr;9(4); External communication). This amino acid position is highly conserved in available vertebrate species. In addition, the in silico prediction for this alteration is inconclusive. Based on the majority of available evidence to date, this variant is likely to be pathogenic.

Genome Diagnostics Laboratory, The Hospital for Sick Children
Classification: Likely pathogenic for Neurofibromatosis, type 1. Last evaluated: 2020-10-26. Review status: criteria provided, single submitter. Criteria: ACMG Guidelines, 2015. Collection method: clinical testing. Allele origin: germline. Affected: yes.

Literature cited by the submitters: PubMed 10678181 (cited by Women's Health and Genetics/Laboratory Corporation of America, LabCorp); PubMed 23460398 (cited by Women's Health and Genetics/Laboratory Corporation of America, LabCorp); PubMed 23656349 (cited by 3 submitters); PubMed 29872168 (cited by Women's Health and Genetics/Laboratory Corporation of America, LabCorp); PubMed 29673180 (cited by 3 submitters); PubMed 28422438 (cited by 4 submitters); PubMed 32814709 (cited by Women's Health and Genetics/Laboratory Corporation of America, LabCorp); PubMed 27322474 (cited by Labcorp Genetics (formerly Invitae), Labcorp); PubMed 30014477 (cited by Labcorp Genetics (formerly Invitae), Labcorp).

NM_001042492.3(NF1):c.3250C>T (p.Pro1084Ser)

Gene: NF1 (neurofibromin 1; plus strand). Cytogenetic location: 17q11.2.
Variant type: single nucleotide variant.
Coding change: c.3250C>T on transcript NM_001042492.3 (MANE Select); coding-DNA position 3250, C replaced by T.
Protein change: p.Pro1084Ser; replaces proline 1084 with serine.
Molecular consequence: missense variant.
Genome position (GRCh38, 1-based): chr17:31,232,125, C>T. VCF-style: chr17-31232125-C-T. GRCh37 (hg19) VCF-style: chr17-29559143-C-T.
Other names: c.3250C>T, p.Pro1084Ser (NM_000267.4); short protein forms P1084S.
Identifiers: ClinVar variation 527549 (VCV000527549.14), dbSNP rs1555614848, ClinGen allele CA398988798.
Genomic context (GRCh38, chr17:31,232,125, plus strand): 5'-TTTTTCAGAGATTTGGACCAGGCAAGCATGGAAGCAGTAGTTTCACTTCTAGCTGGTCTC[C>T]CTCTGCAGCCTGAAGAAGGAGATGGTGTGGAATTGATGGAAGCCAAATCACAGTTATTTC-3'
Protein context (NP_001035957.1, residues 1074-1094): EAVVSLLAGL[Pro1084Ser]LQPEEGDGVE